The following is an entry in ClinVar:

ClinVar aggregate classification (germline): Pathogenic (1 of 4 stars; one submission).

Conditions:
Cardiovascular phenotype. Identifiers: MedGen CN230736.
Hereditary cancer-predisposing syndrome. Also called: Neoplastic Syndromes, Hereditary; Tumor predisposition; Hereditary Cancer Syndrome; Hereditary neoplastic syndrome. Identifiers: Orphanet 140162, MedGen C0027672, MeSH D009386, MONDO:0015356.

Submission:

Ambry Genetics
Classification: Pathogenic for Cardiovascular phenotype; Hereditary cancer-predisposing syndrome. Last evaluated: 2021-08-30. Review status: criteria provided, single submitter. Criteria: Ambry Variant Classification Scheme 2023. Collection method: clinical testing. Allele origin: germline.
Comment: The c.7097delA pathogenic mutation, located in coding exon 47 of the NF1 gene, results from a deletion of one nucleotide at nucleotide position 7097, causing a translational frameshift with a predicted alternate stop codon (p.N2366Tfs*9). This alteration is expected to result in loss of function by premature protein truncation or nonsense-mediated mRNA decay. As such, this alteration is interpreted as a disease-causing mutation.

NM_001042492.3(NF1):c.7160del (p.Asn2387fs)

Gene: NF1 (neurofibromin 1; plus strand). Cytogenetic location: 17q11.2.
Variant type: Deletion.
Coding change: c.7160del on transcript NM_001042492.3 (MANE Select); coding-DNA position 7160, one base deleted (A; older notation c.7160delA).
Protein change: p.Asn2387fs; shifts the reading frame from asparagine 2387.
Molecular consequence: frameshift variant.
Genome position (GRCh38, 1-based): chr17:31,343,106, A deleted; the last of 2 consecutive A bases (chr17:31,343,105-31,343,106); deleting either gives the same sequence. VCF-style (leftmost placement, unchanged base first): chr17-31343104-TA-T. GRCh37 (hg19) VCF-style: chr17-29670122-TA-T.
Other names: c.7097delA (NM_000267.3); c.7097delA, p.Asn2366Thrfs (NM_000267.4); short protein forms N2366fs, N2387fs.
Identifiers: ClinVar variation 1757121 (VCV001757121.2), dbSNP rs2508780157, ClinGen allele CA2580093263.
Genomic context (GRCh38, chr17:31,343,104, plus strand): 5'-TCTGGAGTGGCACTGCAAGCAAATGGATCATTTTGTTGGACTCAATTTCAACTCTAACTT[TA>T]ACTTTGCATTGGTTGGACACCTTTTAAAAGGTAAAAAAGCCTTATTTAGAATATTTTTAT-3'